The following is an entry in ClinVar:

ClinVar aggregate classification (germline): Pathogenic (1 of 4 stars; one submission).

Allele frequency attached by ClinVar (database versions not stated): gnomAD 0.00001.
gnomAD v4.1: 1 of 1,613,394 alleles (0.000062%); highest among the groups gnomAD compares: South Asian, 0.0011%; no homozygotes.

Submission:

Labcorp Genetics (formerly Invitae), Labcorp
Classification: Pathogenic. Last evaluated: 2022-08-08. Review status: criteria provided, single submitter. Criteria: Invitae Variant Classification Sherloc (09022015). Collection method: clinical testing. Allele origin: germline.
Comment: This sequence change creates a premature translational stop signal (p.Gln1179*) in the IMPG2 gene. It is expected to result in an absent or disrupted protein product. Loss-of-function variants in IMPG2 are known to be pathogenic (PMID: 20673862). This variant is not present in population databases (gnomAD no frequency). This variant has not been reported in the literature in individuals affected with IMPG2-related conditions. For these reasons, this variant has been classified as Pathogenic.

Literature cited by the submitters: PubMed 20673862.

NM_016247.4(IMPG2):c.3535C>T (p.Gln1179Ter)

Gene: IMPG2 (interphotoreceptor matrix proteoglycan 2; minus strand). Cytogenetic location: 3q12.3.
Variant type: single nucleotide variant.
Coding change: c.3535C>T on transcript NM_016247.4 (MANE Select); coding-DNA position 3535, C replaced by T.
Protein change: p.Gln1179Ter; replaces glutamine 1179 with a stop codon.
Molecular consequence: nonsense.
Genome position (GRCh38, 1-based): chr3:101,229,478, G>A on the plus strand (C>T on the coding strand, the complement: IMPG2 is on the minus strand). VCF-style: chr3-101229478-G-A. GRCh37 (hg19) VCF-style: chr3-100948322-G-A.
Other names: short protein forms Q1179*.
Identifiers: ClinVar variation 2022831 (VCV002022831.4), dbSNP rs1706261533, ClinGen allele CA353847569.